The following is an entry in ClinVar:

NM_000553.6(WRN):c.3801A>G (p.Gln1267=)

Gene: WRN (WRN RecQ like helicase; plus strand). Cytogenetic location: 8p12.
Variant type: single nucleotide variant.
Coding change: c.3801A>G on transcript NM_000553.6 (MANE Select); coding-DNA position 3801, A replaced by G.
Protein change: p.Gln1267=; no amino-acid change (glutamine 1267 retained).
Molecular consequence: synonymous variant.
Genome position (GRCh38, 1-based): chr8:31,154,737, A>G. VCF-style: chr8-31154737-A-G. GRCh37 (hg19) VCF-style: chr8-31012253-A-G.
Identifiers: ClinVar variation 458468 (VCV000458468.8), dbSNP rs779902531, ClinGen allele CA4705178.
Genomic context (GRCh38, chr8:31,154,737, plus strand): 5'-AGCAAAAAATAAAATATGCACACTTTCACAGTCTATGGCCATCACATACTCTTTATTCCA[A>G]GAAAAGAAGATGCCTTTGGTAAGTGTGACTTTCATGTTACAGGGAATTTTTTTAGTTTAC-3'
Protein context (NP_000544.2, residues 1257-1277): QSMAITYSLF[Gln1267=]EKKMPLKSIA

ClinVar aggregate classification (germline): Conflicting classifications of pathogenicity. Review status: criteria provided, conflicting classifications (1 of 4 stars). 2 submissions from 2 submitters: Uncertain significance (1); Likely benign (1). Last evaluated 2024-07-30.

Conditions:
WRN-related disorder. Also called: WRN-related condition.
Werner syndrome (WRN). Identifiers: Orphanet 902, MedGen C0043119, MONDO:0010196, OMIM 277700.

Allele frequency attached by ClinVar (database versions not stated): gnomAD 0.00001; gnomAD exomes 0.00001 and 0.00002; TOPMed 0.00001; ExAC 0.00003.
gnomAD v4.1: 16 of 1,613,418 alleles (0.00099%); highest among the groups gnomAD compares: Non-Finnish European, 0.0014%; no homozygotes.

Submissions (2):

Labcorp Genetics (formerly Invitae), Labcorp
Classification: Likely benign for Werner syndrome. Last evaluated: 2024-07-30. Review status: criteria provided, single submitter. Criteria: Invitae Variant Classification Sherloc (09022015). Collection method: clinical testing. Allele origin: germline.

PreventionGenetics, part of Exact Sciences
Classification: Uncertain significance for WRN-related condition. Last evaluated: 2022-10-24. Review status: criteria provided, single submitter. Criteria: ACMG Guidelines, 2015. Collection method: clinical testing. Allele origin: germline.
Comment: The WRN c.3801A>G variant is not predicted to result in an amino acid change (p.=). This variant is predicted to alter splicing based on available splicing prediction programs (Alamut Visual v2.11). However, the use of computer prediction programs is not equivalent to functional evidence. To our knowledge, this variant has not been reported in the literature. This variant is reported in 0.0044% of alleles in individuals of European (Non-Finnish) descent in gnomAD and is interpreted as uncertain significance in ClinVar. At this time, the clinical significance of this variant is uncertain due to the absence of conclusive functional and genetic evidence.